The following is an entry in ClinVar:

ClinVar aggregate classification (germline): Uncertain significance (1 of 4 stars; one submission).

Conditions:
Hereditary cancer-predisposing syndrome. Also called: Hereditary neoplastic syndrome; Hereditary Cancer Syndrome; Neoplastic Syndromes, Hereditary; Tumor predisposition. Identifiers: Orphanet 140162, MedGen C0027672, MeSH D009386, MONDO:0015356.

Submission:

Ambry Genetics
Classification: Uncertain significance for Hereditary cancer-predisposing syndrome. Last evaluated: 2023-05-08. Review status: criteria provided, single submitter. Criteria: Ambry Variant Classification Scheme 2023. Collection method: clinical testing. Allele origin: germline.
Comment: The p.N315H variant (also known as c.943A>C), located in coding exon 1 of the MET gene, results from an A to C substitution at nucleotide position 943. The asparagine at codon 315 is replaced by histidine, an amino acid with similar properties. This amino acid position is highly conserved in available vertebrate species. In addition, this alteration is predicted to be tolerated by in silico analysis. Since supporting evidence is limited at this time, the clinical significance of this alteration remains unclear.

NM_000245.4(MET):c.943A>C (p.Asn315His)

Gene: MET (MET proto-oncogene, receptor tyrosine kinase; plus strand). Cytogenetic location: 7q31.2.
Variant type: single nucleotide variant.
Coding change: c.943A>C on transcript NM_000245.4 (MANE Select); coding-DNA position 943, A replaced by C.
Protein change: p.Asn315His; replaces asparagine 315 with histidine.
Molecular consequence: missense variant. On other transcripts: intron variant (1).
Genome position (GRCh38, 1-based): chr7:116,700,027, A>C. VCF-style: chr7-116700027-A-C. GRCh37 (hg19) VCF-style: chr7-116340081-A-C.
Other names: c.943A>C, p.Asn315His (NM_001127500.3, NM_001324401.3); c.-91+27450A>C (NM_001324402.2); short protein forms N315H.
Identifiers: ClinVar variation 2567689 (VCV002567689.2), dbSNP rs2116601398, ClinGen allele CA368970202.